The following is an entry in ClinVar:

NM_004560.4(ROR2):c.1313C>T (p.Thr438Ile)

Gene: ROR2 (receptor tyrosine kinase like orphan receptor 2; minus strand). Cytogenetic location: 9q22.31.
Variant type: single nucleotide variant.
Coding change: c.1313C>T on transcript NM_004560.4 (MANE Select); coding-DNA position 1313, C replaced by T.
Protein change: p.Thr438Ile; replaces threonine 438 with isoleucine.
Molecular consequence: missense variant.
Genome position (GRCh38, 1-based): chr9:91,726,614, G>A on the plus strand (C>T on the coding strand, the complement: ROR2 is on the minus strand). VCF-style: chr9-91726614-G-A. GRCh37 (hg19) VCF-style: chr9-94488896-G-A.
Other names: c.1279C>T, p.His427Tyr (NM_001318204.2); short protein forms H427Y, T438I.
Identifiers: ClinVar variation 3687841 (VCV003687841.2).

ClinVar aggregate classification (germline): Uncertain significance (1 of 4 stars; one submission).

gnomAD v4.1: 1 of 1,613,996 alleles (0.000062%); highest among the groups gnomAD compares: South Asian, 0.0011%; no homozygotes.

Submission:

Labcorp Genetics (formerly Invitae), Labcorp
Classification: Uncertain significance. Last evaluated: 2024-09-06. Review status: criteria provided, single submitter. Criteria: Invitae Variant Classification Sherloc (09022015). Collection method: clinical testing. Allele origin: germline.
Comment: This sequence change replaces threonine, which is neutral and polar, with isoleucine, which is neutral and non-polar, at codon 438 of the ROR2 protein (p.Thr438Ile). This variant is present in population databases (rs753164803, gnomAD 0.003%). This variant has not been reported in the literature in individuals affected with ROR2-related conditions. Invitae Evidence Modeling of protein sequence and biophysical properties (such as structural, functional, and spatial information, amino acid conservation, physicochemical variation, residue mobility, and thermodynamic stability) indicates that this missense variant is not expected to disrupt ROR2 protein function with a negative predictive value of 80%. In summary, the available evidence is currently insufficient to determine the role of this variant in disease. Therefore, it has been classified as a Variant of Uncertain Significance.